The following is an entry in ClinVar:

ClinVar aggregate classification (germline): Uncertain significance (1 of 4 stars; one submission).

Conditions:
Cardiovascular phenotype. Identifiers: MedGen CN230736.

Submission:

Ambry Genetics
Classification: Uncertain significance for Cardiovascular phenotype. Last evaluated: 2025-10-30. Review status: criteria provided, single submitter. Criteria: Ambry Variant Classification Scheme 2023. Collection method: clinical testing. Allele origin: germline.
Comment: The p.A570V variant (also known as c.1709C>T), located in coding exon 14 of the PTPN11 gene, results from a C to T substitution at nucleotide position 1709. The alanine at codon 570 is replaced by valine, an amino acid with similar properties. This amino acid position is conserved. In addition, this alteration is predicted to be tolerated by in silico analysis. Based on the available evidence, the clinical significance of this variant remains unclear.

NM_002834.5(PTPN11):c.1709C>T (p.Ala570Val)

Gene: PTPN11 (protein tyrosine phosphatase non-receptor type 11; plus strand). Cytogenetic location: 12q24.13.
Variant type: single nucleotide variant.
Coding change: c.1709C>T on transcript NM_002834.5 (MANE Select); coding-DNA position 1709, C replaced by T.
Protein change: p.Ala570Val; replaces alanine 570 with valine.
Molecular consequence: missense variant.
Genome position (GRCh38, 1-based): chr12:112,502,253, C>T. VCF-style: chr12-112502253-C-T. GRCh37 (hg19) VCF-style: chr12-112940057-C-T.
Other names: c.1721C>T, p.Ala574Val (NM_001330437.2); c.1706C>T, p.Ala569Val (NM_001374625.1); short protein forms A569V, A570V, A574V.
Identifiers: ClinVar variation 4614774 (VCV004614774.1).